The following is an entry in ClinVar:

NM_001374736.1(DST):c.22570-20T>G

Gene: DST (dystonin; minus strand). Cytogenetic location: 6p12.1.
Variant type: single nucleotide variant.
Coding change: c.22570-20T>G on transcript NM_001374736.1 (MANE Select); 20 bases into the intron before coding-DNA position 22570, T replaced by G.
Molecular consequence: intron variant.
Genome position (GRCh38, 1-based): chr6:56,466,215, A>C on the plus strand (T>G on the coding strand, the complement: DST is on the minus strand). VCF-style: chr6-56466215-A-C. GRCh37 (hg19) VCF-style: chr6-56331013-A-C.
Other names: c.16213-20T>G (NM_001144769.5); c.22570-20T>G (NM_001374722.1); c.22597-20T>G (NM_001374734.1); c.15799-20T>G (NM_001144770.2); c.15352-20T>G (NM_001374730.1); c.15661-20T>G (NM_001386100.1); c.15679-20T>G (NM_183380.4); c.21610-20T>G (NM_001374729.1); and 1 more.
Identifiers: ClinVar variation 2148303 (VCV002148303.1), dbSNP rs371363863, ClinGen allele CA3866228.

ClinVar aggregate classification (germline): Uncertain significance (1 of 4 stars; one submission).

Conditions:
Hereditary sensory and autonomic neuropathy type 6. Also called: Neuropathy, hereditary sensory and autonomic, type VI; HSAN VI. Identifiers: Orphanet 314381, MedGen C3539003, MONDO:0013839, OMIM 614653.
Epidermolysis bullosa simplex 3, localized or generalized intermediate, with BP230 deficiency (EBS3). Also called: Epidermolysis bullosa simplex due to BP230 deficiency; Epidermolysis bullosa simplex, autosomal recessive 2. Identifiers: Orphanet 412181, MedGen C3809470, MONDO:0014180, OMIM 615425.

Allele frequency attached by ClinVar (database versions not stated): gnomAD 0.00008; TOPMed 0.00008; ExAC 0.00013; ESP Exome Variant Server 0.00016; gnomAD exomes 0.00018.
gnomAD v4.1: 258 of 1,526,024 alleles (0.017%); highest among the groups gnomAD compares: Non-Finnish European, 0.022%; no homozygotes.

Submission:

Labcorp Genetics (formerly Invitae), Labcorp
Classification: Uncertain significance for Epidermolysis bullosa simplex 3, localized or generalized intermediate, with BP230 deficiency; Hereditary sensory and autonomic neuropathy type 6. Last evaluated: 2022-06-12. Review status: criteria provided, single submitter. Criteria: Invitae Variant Classification Sherloc (09022015). Collection method: clinical testing. Allele origin: germline.
Comment: The DST gene has multiple clinically relevant transcripts. This variant occurs in alternate transcript NM_015548.4, and corresponds to NM_001723.5:c.*149302T>G in the primary transcript. This sequence change falls in intron 79 of the DST gene. It does not directly change the encoded amino acid sequence of the DST protein. This variant is present in population databases (rs371363863, gnomAD 0.02%). This variant has not been reported in the literature in individuals affected with DST-related conditions. Algorithms developed to predict the effect of sequence changes on RNA splicing suggest that this variant may create or strengthen a splice site. In summary, the available evidence is currently insufficient to determine the role of this variant in disease. Therefore, it has been classified as a Variant of Uncertain Significance.